The following is an entry in ClinVar:

ClinVar aggregate classification (germline): Uncertain significance. Review status: criteria provided, multiple submitters, no conflicts (2 of 4 stars). 2 submissions from 2 submitters: Uncertain significance (2). Last evaluated 2025-11-12.

Conditions:
Townes syndrome (TBS). Also called: Townes-Brocks syndrome. Identifiers: Orphanet 857, MedGen C0265246, MeSH C536974, MONDO:0007142.
Inborn genetic diseases. Identifiers: MedGen C0950123, MeSH D030342.

gnomAD v4.1: 8 of 1,613,532 alleles (0.0005%); highest among the groups gnomAD compares: Admixed American, 0.01%; no homozygotes.

Submissions (2):

Ambry Genetics
Classification: Uncertain significance for Inborn genetic diseases. Last evaluated: 2025-11-12. Review status: criteria provided, single submitter. Criteria: Ambry Variant Classification Scheme 2023. Collection method: clinical testing. Allele origin: germline.
Comment: The c.120G>T (p.K40N) alteration is located in exon 2 (coding exon 2) of the SALL1 gene. This alteration results from a G to T substitution at nucleotide position 120, causing the lysine (K) at amino acid position 40 to be replaced by an asparagine (N). Based on data from gnomAD, the T allele has an overall frequency of 0.002% (4/250714) total alleles studied. The highest observed frequency was 0.012% (4/34578) of Latino alleles. Based on insufficient or conflicting evidence, the clinical significance of this alteration remains unclear.

Labcorp Genetics (formerly Invitae), Labcorp
Classification: Uncertain significance for Townes syndrome. Last evaluated: 2025-01-07. Review status: criteria provided, single submitter. Criteria: Invitae Variant Classification Sherloc (09022015). Collection method: clinical testing. Allele origin: germline.
Comment: This sequence change replaces lysine, which is basic and polar, with asparagine, which is neutral and polar, at codon 40 of the SALL1 protein (p.Lys40Asn). This variant is present in population databases (rs767028554, gnomAD 0.01%). This variant has not been reported in the literature in individuals affected with SALL1-related conditions. Invitae Evidence Modeling of protein sequence and biophysical properties (such as structural, functional, and spatial information, amino acid conservation, physicochemical variation, residue mobility, and thermodynamic stability) indicates that this missense variant is not expected to disrupt SALL1 protein function with a negative predictive value of 80%. In summary, the available evidence is currently insufficient to determine the role of this variant in disease. Therefore, it has been classified as a Variant of Uncertain Significance.

NM_002968.3(SALL1):c.120G>T (p.Lys40Asn)

Gene: SALL1 (spalt like transcription factor 1; minus strand). Cytogenetic location: 16q12.1.
Variant type: single nucleotide variant.
Coding change: c.120G>T on transcript NM_002968.3 (MANE Select); coding-DNA position 120, G replaced by T.
Protein change: p.Lys40Asn; replaces lysine 40 with asparagine.
Molecular consequence: missense variant. On other transcripts: 5 prime UTR variant (1).
Genome position (GRCh38, 1-based): chr16:51,142,102, C>A on the plus strand (G>T on the coding strand, the complement: SALL1 is on the minus strand). VCF-style: chr16-51142102-C-A. GRCh37 (hg19) VCF-style: chr16-51176013-C-A.
Other names: c.-172G>T (NM_001127892.2); short protein forms K40N.
Identifiers: ClinVar variation 3714401 (VCV003714401.3).